The following is an entry in ClinVar:

NM_001042492.3(NF1):c.7741A>T (p.Thr2581Ser)

Gene: NF1 (neurofibromin 1; plus strand). Cytogenetic location: 17q11.2.
Variant type: single nucleotide variant.
Coding change: c.7741A>T on transcript NM_001042492.3 (MANE Select); coding-DNA position 7741, A replaced by T.
Protein change: p.Thr2581Ser; replaces threonine 2581 with serine.
Molecular consequence: missense variant.
Genome position (GRCh38, 1-based): chr17:31,356,962, A>T. VCF-style: chr17-31356962-A-T. GRCh37 (hg19) VCF-style: chr17-29683980-A-T.
Other names: c.7678A>T, p.Thr2560Ser (NM_000267.4); short protein forms T2581S, T2560S.
Identifiers: ClinVar variation 827189 (VCV000827189.7), dbSNP rs1597866308, ClinGen allele CA399018315.
Genomic context (GRCh38, chr17:31,356,962, plus strand): 5'-AGTTAGGTGAAGTGATTATCCAGGTGTTTGATCACGTTAATTCCCTATCTTGCTGCAGAA[A>T]CTCAGAGGATTTCCTCATCACAACAGCACCCACATTTACGTAAAGTTTCAGTGTCTGAAT-3'
Protein context (NP_001035957.1, residues 2571-2591): RVAETDYEME[Thr2581Ser]QRISSSQQHP

ClinVar aggregate classification (germline): Conflicting classifications of pathogenicity. Review status: criteria provided, conflicting classifications (1 of 4 stars). 2 submissions from 2 submitters: Uncertain significance (1); Likely benign (1). Last evaluated 2026-08-03.

Conditions:
Hereditary cancer-predisposing syndrome. Also called: Tumor predisposition; Hereditary neoplastic syndrome; Neoplastic Syndromes, Hereditary; Hereditary Cancer Syndrome. Identifiers: Orphanet 140162, MedGen C0027672, MeSH D009386, MONDO:0015356.
Cardiovascular phenotype. Identifiers: MedGen CN230736.
Neurofibromatosis, type 1 (NF1). Also called: VON RECKLINGHAUSEN DISEASE; NEUROFIBROMATOSIS, TYPE I, SOMATIC; Peripheral type neurofibromatosis; Neurofibromatosis, type I. Identifiers: Orphanet 636, MedGen C0027831, MONDO:0018975, OMIM 162200. Disease mechanism: loss of function.

Submissions (2):

Ambry Genetics
Classification: Likely benign for Cardiovascular phenotype; Hereditary cancer-predisposing syndrome. Last evaluated: 2026-08-03. Review status: criteria provided, single submitter. Criteria: Ambry Variant Classification Scheme 2023. Collection method: clinical testing. Allele origin: germline.

Labcorp Genetics (formerly Invitae), Labcorp
Classification: Uncertain significance for Neurofibromatosis, type 1. Last evaluated: 2024-04-14. Review status: criteria provided, single submitter. Criteria: Invitae Variant Classification Sherloc (09022015). Collection method: clinical testing. Allele origin: germline.
Comment: This sequence change replaces threonine, which is neutral and polar, with serine, which is neutral and polar, at codon 2560 of the NF1 protein (p.Thr2560Ser). This variant is not present in population databases (gnomAD no frequency). This variant has not been reported in the literature in individuals affected with NF1-related conditions. ClinVar contains an entry for this variant (Variation ID: 827189). Advanced modeling of protein sequence and biophysical properties (such as structural, functional, and spatial information, amino acid conservation, physicochemical variation, residue mobility, and thermodynamic stability) performed at Invitae indicates that this missense variant is not expected to disrupt NF1 protein function with a negative predictive value of 95%. In summary, the available evidence is currently insufficient to determine the role of this variant in disease. Therefore, it has been classified as a Variant of Uncertain Significance.